The following is an entry in ClinVar:

ClinVar aggregate classification (germline): Benign (0 of 4 stars; one submission).

Conditions:
BAZ2B-related disorder. Also called: BAZ2B-related condition.

Allele frequency attached by ClinVar (database versions not stated): gnomAD exomes 0.01525; ExAC 0.01917; 1000 Genomes Project 0.03095; 1000 Genomes Project 30x 0.03373; gnomAD 0.03392; TOPMed 0.03664; ESP Exome Variant Server 0.03689.
gnomAD v4.1: 27,490 of 1,607,616 alleles (1.7%); highest among the groups gnomAD compares: African/African-American, 8.9%; 509 homozygotes.

Submissions (26):

PreventionGenetics, part of Exact Sciences
Classification: Benign for BAZ2B-related condition. Last evaluated: 2019-04-11. Review status: no assertion criteria provided. Collection method: clinical testing. Allele origin: germline.
Comment: This variant is classified as benign based on ACMG/AMP sequence variant interpretation guidelines (Richards et al. 2015 PMID: 25741868, with internal and published modifications).

Dr. Peter K. Rogan Lab, Western University
No classification provided (evidence only). Condition: Uterine corpus endometrial carcinoma. Review status: no classification provided. Collection method: in vitro. Allele origin: not applicable. Functional consequence: retained intron. Not counted in ClinVar's aggregate classification.

Dr. Peter K. Rogan Lab, Western University
No classification provided (evidence only). Condition: Ovarian serous cystadenocarcinoma. Review status: no classification provided. Collection method: in vitro. Allele origin: not applicable. Functional consequence: retained intron. Not counted in ClinVar's aggregate classification.

Dr. Peter K. Rogan Lab, Western University
No classification provided (evidence only). Condition: Ovarian serous cystadenocarcinoma. Review status: no classification provided. Collection method: in vitro. Allele origin: not applicable. Functional consequence: retained intron. Not counted in ClinVar's aggregate classification.

Dr. Peter K. Rogan Lab, Western University
No classification provided (evidence only). Condition: Ovarian serous cystadenocarcinoma. Review status: no classification provided. Collection method: in vitro. Allele origin: not applicable. Functional consequence: retained intron. Not counted in ClinVar's aggregate classification.

Dr. Peter K. Rogan Lab, Western University
No classification provided (evidence only). Condition: Ovarian serous cystadenocarcinoma. Review status: no classification provided. Collection method: in vitro. Allele origin: not applicable. Functional consequence: retained intron. Not counted in ClinVar's aggregate classification.

Dr. Peter K. Rogan Lab, Western University
No classification provided (evidence only). Condition: Gastric cancer. Review status: no classification provided. Collection method: in vitro. Allele origin: not applicable. Functional consequence: retained intron. Not counted in ClinVar's aggregate classification.

Dr. Peter K. Rogan Lab, Western University
No classification provided (evidence only). Condition: Gastric cancer. Review status: no classification provided. Collection method: in vitro. Allele origin: not applicable. Functional consequence: retained intron. Not counted in ClinVar's aggregate classification.

Dr. Peter K. Rogan Lab, Western University
No classification provided (evidence only). Condition: Uterine carcinosarcoma. Review status: no classification provided. Collection method: in vitro. Allele origin: not applicable. Functional consequence: retained intron. Not counted in ClinVar's aggregate classification.

Dr. Peter K. Rogan Lab, Western University
No classification provided (evidence only). Condition: Malignant tumor of esophagus. Review status: no classification provided. Collection method: in vitro. Allele origin: not applicable. Functional consequence: retained intron. Not counted in ClinVar's aggregate classification.

Dr. Peter K. Rogan Lab, Western University
No classification provided (evidence only). Condition: Malignant tumor of esophagus. Review status: no classification provided. Collection method: in vitro. Allele origin: not applicable. Functional consequence: retained intron. Not counted in ClinVar's aggregate classification.

Dr. Peter K. Rogan Lab, Western University
No classification provided (evidence only). Condition: Malignant tumor of esophagus. Review status: no classification provided. Collection method: in vitro. Allele origin: not applicable. Functional consequence: retained intron. Not counted in ClinVar's aggregate classification.

Dr. Peter K. Rogan Lab, Western University
No classification provided (evidence only). Condition: Malignant tumor of esophagus. Review status: no classification provided. Collection method: in vitro. Allele origin: not applicable. Functional consequence: retained intron. Not counted in ClinVar's aggregate classification.

Dr. Peter K. Rogan Lab, Western University
No classification provided (evidence only). Condition: Lymphoma. Review status: no classification provided. Collection method: in vitro. Allele origin: not applicable. Functional consequence: retained intron. Not counted in ClinVar's aggregate classification.

Dr. Peter K. Rogan Lab, Western University
No classification provided (evidence only). Condition: Ovarian cancer. Review status: no classification provided. Collection method: in vitro. Allele origin: not applicable. Functional consequence: retained intron. Not counted in ClinVar's aggregate classification.

Dr. Peter K. Rogan Lab, Western University
No classification provided (evidence only). Condition: Clear cell carcinoma of kidney. Review status: no classification provided. Collection method: in vitro. Allele origin: not applicable. Functional consequence: retained intron. Not counted in ClinVar's aggregate classification.

Dr. Peter K. Rogan Lab, Western University
No classification provided (evidence only). Condition: Clear cell carcinoma of kidney. Review status: no classification provided. Collection method: in vitro. Allele origin: not applicable. Functional consequence: retained intron. Not counted in ClinVar's aggregate classification.

Dr. Peter K. Rogan Lab, Western University
No classification provided (evidence only). Condition: Clear cell carcinoma of kidney. Review status: no classification provided. Collection method: in vitro. Allele origin: not applicable. Functional consequence: retained intron. Not counted in ClinVar's aggregate classification.

Dr. Peter K. Rogan Lab, Western University
No classification provided (evidence only). Condition: Acute myeloid leukemia. Review status: no classification provided. Collection method: in vitro. Allele origin: not applicable. Functional consequence: retained intron. Not counted in ClinVar's aggregate classification.

Dr. Peter K. Rogan Lab, Western University
No classification provided (evidence only). Condition: Acute myeloid leukemia. Review status: no classification provided. Collection method: in vitro. Allele origin: not applicable. Functional consequence: retained intron. Not counted in ClinVar's aggregate classification.

Dr. Peter K. Rogan Lab, Western University
No classification provided (evidence only). Condition: Acute myeloid leukemia. Review status: no classification provided. Collection method: in vitro. Allele origin: not applicable. Functional consequence: retained intron. Not counted in ClinVar's aggregate classification.

Dr. Peter K. Rogan Lab, Western University
No classification provided (evidence only). Condition: Acute myeloid leukemia. Review status: no classification provided. Collection method: in vitro. Allele origin: not applicable. Functional consequence: retained intron. Not counted in ClinVar's aggregate classification.

Dr. Peter K. Rogan Lab, Western University
No classification provided (evidence only). Condition: Colon adenocarcinoma. Review status: no classification provided. Collection method: in vitro. Allele origin: not applicable. Functional consequence: retained intron. Not counted in ClinVar's aggregate classification.

Dr. Peter K. Rogan Lab, Western University
No classification provided (evidence only). Condition: Uterine corpus endometrial carcinoma. Review status: no classification provided. Collection method: in vitro. Allele origin: not applicable. Functional consequence: retained intron. Not counted in ClinVar's aggregate classification.

Dr. Peter K. Rogan Lab, Western University
No classification provided (evidence only). Condition: Uterine corpus endometrial carcinoma. Review status: no classification provided. Collection method: in vitro. Allele origin: not applicable. Functional consequence: retained intron. Not counted in ClinVar's aggregate classification.

Dr. Peter K. Rogan Lab, Western University
No classification provided (evidence only). Condition: Uterine corpus endometrial carcinoma. Review status: no classification provided. Collection method: in vitro. Allele origin: not applicable. Functional consequence: retained intron. Not counted in ClinVar's aggregate classification.

NM_013450.4(BAZ2B):c.4863+5G>A

Genes: BAZ2B (bromodomain adjacent to zinc finger domain 2B; minus strand), LOC126806390 (CDK7 strongly-dependent group 2 enhancer GRCh37_chr2:160205700-160206899; plus strand). Cytogenetic location: 2q24.2.
Variant type: single nucleotide variant.
Coding change: c.4863+5G>A on transcript NM_013450.4 (MANE Select); 5 bases into the intron after coding-DNA position 4863, G replaced by A.
Molecular consequence: intron variant.
Genome position (GRCh38, 1-based): chr2:159,349,703, C>T on the plus strand (G>A on the coding strand, the complement: BAZ2B is on the minus strand). VCF-style: chr2-159349703-C-T. GRCh37 (hg19) VCF-style: chr2-160206214-C-T.
Other names: NC_000002.11:g.160206214C>T; c.4755+5G>A (NM_001289975.1); c.4701+5G>A (NM_001329857.2); c.4788+5G>A (NM_001329858.2).
Identifiers: ClinVar variation 3057082 (VCV003057082.3), dbSNP rs16843906, ClinGen allele CA1924057.